The following is an entry in ClinVar:

ClinVar aggregate classification (germline): Uncertain significance (1 of 4 stars; one submission).

Submission:

Ambry Genetics
Classification: Uncertain significance. Last evaluated: 2022-09-04. Review status: criteria provided, single submitter. Criteria: Ambry Variant Classification Scheme 2023. Collection method: clinical testing. Allele origin: germline.
Comment: The p.G1429C variant (also known as c.4285G>T), located in coding exon 4 of the ALPK2 gene, results from a G to T substitution at nucleotide position 4285. The glycine at codon 1429 is replaced by cysteine, an amino acid with highly dissimilar properties. This amino acid position is conserved. In addition, this alteration is predicted to be tolerated by in silico analysis. Since supporting evidence is limited at this time, the clinical significance of this alteration remains unclear.

NM_052947.4(ALPK2):c.4285G>T (p.Gly1429Cys)

Genes: ALPK2 (alpha kinase 2; minus strand), LOC126862764 (BRD4-independent group 4 enhancer GRCh37_chr18:56202574-56203773; plus strand). Cytogenetic location: 18q21.31.
Variant type: single nucleotide variant.
Coding change: c.4285G>T on transcript NM_052947.4 (MANE Select); coding-DNA position 4285, G replaced by T.
Protein change: p.Gly1429Cys; replaces glycine 1429 with cysteine.
Molecular consequence: missense variant.
Genome position (GRCh38, 1-based): chr18:58,535,902, C>A on the plus strand (G>T on the coding strand, the complement: ALPK2 is on the minus strand). VCF-style: chr18-58535902-C-A. GRCh37 (hg19) VCF-style: chr18-56203134-C-A.
Other names: short protein forms G1429C.
Identifiers: ClinVar variation 1739377 (VCV001739377.2), dbSNP rs142602257, ClinGen allele CA402563344.